The following is an entry in ClinVar:

ClinVar aggregate classification (germline): Uncertain significance. Review status: criteria provided, single submitter (1 of 4 stars). 2 submissions from 2 submitters: Uncertain significance (1). 1 of the submissions does not count toward it. Last evaluated 2023-09-27.

Conditions:
Mitochondrial complex I deficiency, nuclear type 32. Also called: Mitochondrial complex 1 deficiency, nuclear type 32. Identifiers: MedGen C4748839, MONDO:0032635, OMIM 618252.

Submissions (2):

Labcorp Genetics (formerly Invitae), Labcorp
Classification: Uncertain significance. Last evaluated: 2023-09-27. Review status: criteria provided, single submitter. Criteria: Invitae Variant Classification Sherloc (09022015). Collection method: clinical testing. Allele origin: germline.
Comment: This sequence change creates a premature translational stop signal (p.Glu63Aspfs*35) in the NDUFB8 gene. It is expected to result in an absent or disrupted protein product. However, the current clinical and genetic evidence is not sufficient to establish whether loss-of-function variants in NDUFB8 cause disease. This variant is present in population databases (no rsID available, gnomAD 0.003%). In summary, the available evidence is currently insufficient to determine the role of this variant in disease. Therefore, it has been classified as a Variant of Uncertain Significance. ClinVar contains an entry for this variant (Variation ID: 548133). This premature translational stop signal has been observed in individual(s) with mitochondrial complex I deficiency (PMID: 29429571).

OMIM
Classification: Pathogenic for MITOCHONDRIAL COMPLEX I DEFICIENCY, NUCLEAR TYPE 32. Last evaluated: 2018-12-13. Review status: no assertion criteria provided. Collection method: literature only. Allele origin: germline. Not counted in ClinVar's aggregate classification.

Literature cited by the submitters: PubMed 29429571 (cited by Labcorp Genetics (formerly Invitae), Labcorp and OMIM).

NM_005004.4(NDUFB8):c.189del (p.Glu63fs)

Gene: NDUFB8 (NADH:ubiquinone oxidoreductase subunit B8; minus strand). Cytogenetic location: 10q24.31.
Variant type: Deletion.
Coding change: c.189del on transcript NM_005004.4 (MANE Select); coding-DNA position 189, one base deleted (A; older notation c.189delA).
Protein change: p.Glu63fs; shifts the reading frame from glutamic acid 63.
Molecular consequence: frameshift variant.
Genome position (GRCh38, 1-based): chr10:100,529,403, T deleted on the plus strand (A on the coding strand, the reverse complement: NDUFB8 is on the minus strand); the first of 2 consecutive T bases (chr10:100,529,403-100,529,404); deleting either gives the same sequence. VCF-style (leftmost placement, unchanged base first): chr10-100529402-GT-G. GRCh37 (hg19) VCF-style: chr10-102289159-GT-G.
Other names: c.189del, p.Glu63fs (NM_001284367.2); c.96del, p.Glu32fs (NM_001284368.1); short protein forms E32fs, E63fs.
Identifiers: ClinVar variation 548133 (VCV000548133.6), dbSNP rs1264186261, ClinGen allele CA595483672.